The following is an entry in ClinVar:

ClinVar aggregate classification (germline): Uncertain significance (1 of 4 stars; one submission).

Submission:

Labcorp Genetics (formerly Invitae), Labcorp
Classification: Uncertain significance. Last evaluated: 2024-07-29. Review status: criteria provided, single submitter. Criteria: Invitae Variant Classification Sherloc (09022015). Collection method: clinical testing. Allele origin: germline.
Comment: This sequence change falls in intron 6 of the CARD8 gene. It does not directly change the encoded amino acid sequence of the CARD8 protein. It affects a nucleotide within the consensus splice site. This variant is not present in population databases (gnomAD no frequency). This variant has not been reported in the literature in individuals affected with CARD8-related conditions. Variants that disrupt the consensus splice site are a relatively common cause of aberrant splicing (PMID: 17576681, 9536098). Algorithms developed to predict the effect of sequence changes on RNA splicing suggest that this variant may disrupt the consensus splice site. In summary, the available evidence is currently insufficient to determine the role of this variant in disease. Therefore, it has been classified as a Variant of Uncertain Significance.

Literature cited by the submitters: PubMed 17576681; PubMed 9536098.

NM_001184900.3(CARD8):c.542+3A>C

Gene: CARD8 (caspase recruitment domain family member 8; minus strand). Cytogenetic location: 19q13.33.
Variant type: single nucleotide variant.
Coding change: c.542+3A>C on transcript NM_001184900.3 (MANE Select); 3 bases into the intron after coding-DNA position 542, A replaced by C.
Molecular consequence: intron variant.
Genome position (GRCh38, 1-based): chr19:48,231,657, T>G on the plus strand (A>C on the coding strand, the complement: CARD8 is on the minus strand). VCF-style: chr19-48231657-T-G. GRCh37 (hg19) VCF-style: chr19-48734914-T-G.
Other names: c.227+3A>C (NM_001351787.2, NM_001351791.2, NM_001351792.2 and 2 more transcripts); c.392+3A>C (NM_001351788.2, NM_001351789.2, NM_014959.5 and 2 more transcripts); c.206+3A>C (NM_001351786.2); c.299+3A>C (NM_001351790.2); c.542+3A>C (NM_001184902.2, NM_001351782.2, NM_001184903.1).
Identifiers: ClinVar variation 3660747 (VCV003660747.2).